The following is an entry in ClinVar:

NM_000426.4(LAMA2):c.3467A>T (p.Asp1156Val)

Gene: LAMA2 (laminin subunit alpha 2; plus strand). Cytogenetic location: 6q22.33.
Variant type: single nucleotide variant.
Coding change: c.3467A>T on transcript NM_000426.4 (MANE Select); coding-DNA position 3467, A replaced by T.
Protein change: p.Asp1156Val; replaces aspartic acid 1156 with valine.
Molecular consequence: missense variant.
Genome position (GRCh38, 1-based): chr6:129,314,710, A>T. VCF-style: chr6-129314710-A-T. GRCh37 (hg19) VCF-style: chr6-129635855-A-T.
Other names: c.3467A>T, p.Asp1156Val (NM_001079823.2); short protein forms D1156V.
Identifiers: ClinVar variation 2085853 (VCV002085853.1), dbSNP rs2482410202, ClinGen allele CA365612289.

ClinVar aggregate classification (germline): Uncertain significance (1 of 4 stars; one submission).

Conditions:
LAMA2-related muscular dystrophy (LAMA2-RD). Also called: Laminin alpha 2-related dystrophy. Identifiers: MedGen C5679788, MONDO:0100228.

Submission:

Labcorp Genetics (formerly Invitae), Labcorp
Classification: Uncertain significance for LAMA2-related muscular dystrophy. Last evaluated: 2022-01-16. Review status: criteria provided, single submitter. Criteria: Invitae Variant Classification Sherloc (09022015). Collection method: clinical testing. Allele origin: germline.
Comment: This sequence change replaces aspartic acid, which is acidic and polar, with valine, which is neutral and non-polar, at codon 1156 of the LAMA2 protein (p.Asp1156Val). This variant is not present in population databases (gnomAD no frequency). This variant has not been reported in the literature in individuals affected with LAMA2-related conditions. Advanced modeling of protein sequence and biophysical properties (such as structural, functional, and spatial information, amino acid conservation, physicochemical variation, residue mobility, and thermodynamic stability) performed at Invitae indicates that this missense variant is not expected to disrupt LAMA2 protein function. In summary, the available evidence is currently insufficient to determine the role of this variant in disease. Therefore, it has been classified as a Variant of Uncertain Significance.